The following is an entry in ClinVar:

NM_020745.4(AARS2):c.1753-3C>T

Gene: AARS2 (alanyl-tRNA synthetase 2, mitochondrial; minus strand). Cytogenetic location: 6p21.1.
Variant type: single nucleotide variant.
Coding change: c.1753-3C>T on transcript NM_020745.4 (MANE Select); 3 bases into the intron before coding-DNA position 1753, C replaced by T.
Molecular consequence: intron variant.
Genome position (GRCh38, 1-based): chr6:44,304,536, G>A on the plus strand (C>T on the coding strand, the complement: AARS2 is on the minus strand). VCF-style: chr6-44304536-G-A. GRCh37 (hg19) VCF-style: chr6-44272273-G-A.
Identifiers: ClinVar variation 3033673 (VCV003033673.2), dbSNP rs1055504295, ClinGen allele CA138389059.

ClinVar aggregate classification (germline): Likely benign (0 of 4 stars; one submission).

Conditions:
AARS2-related disorder. Also called: AARS2-related condition; AARS2-related disorders. Identifiers: MedGen CN381518, MONDO:1060240.

Allele frequency attached by ClinVar (database versions not stated): gnomAD exomes below 0.00001.
gnomAD v4.1: 6 of 1,614,152 alleles (0.00037%); highest among the groups gnomAD compares: Middle Eastern, 0.016%; no homozygotes.

Submission:

PreventionGenetics, part of Exact Sciences
Classification: Likely benign for AARS2-related condition. Last evaluated: 2019-06-11. Review status: no assertion criteria provided. Collection method: clinical testing. Allele origin: germline.
Comment: This variant is classified as likely benign based on ACMG/AMP sequence variant interpretation guidelines (Richards et al. 2015 PMID: 25741868, with internal and published modifications).